The following is an entry in ClinVar:

NM_018671.5(UNC45A):c.2423T>C (p.Val808Ala)

Genes: RCCD1-AS1 (RCCD1 and UNC45A antisense RNA 1; minus strand), UNC45A (unc-45 myosin chaperone A; plus strand). Cytogenetic location: 15q26.1.
Variant type: single nucleotide variant.
Coding change: c.2423T>C on transcript NM_018671.5 (MANE Select); coding-DNA position 2423, T replaced by C.
Protein change: p.Val808Ala; replaces valine 808 with alanine.
Molecular consequence: missense variant. On other transcripts: non-coding transcript variant (1).
Genome position (GRCh38, 1-based): chr15:90,953,156, T>C. VCF-style: chr15-90953156-T-C. GRCh37 (hg19) VCF-style: chr15-91496386-T-C.
Other names: c.2378T>C, p.Val793Ala (NM_001039675.2, NM_001323621.2); c.2423T>C, p.Val808Ala (NM_001323619.1); c.1988T>C, p.Val663Ala (NM_001323620.2); c.2423T>C (NM_018671.3); short protein forms V663A, V793A, V808A.
Identifiers: ClinVar variation 1353912 (VCV001353912.5), dbSNP rs144275211, ClinGen allele CA7743306.
Genomic context (GRCh38, chr15:90,953,156, plus strand): 5'-GTGCCCTGGCTGGGCTTTACACCCAACTGACTTGGTCCACTCCTCACATCTGGCCACAGG[T>C]GCAGGACCTCTTCGAAGCCCAGGGCAATGACCGACTGAAGCTGCTGGTGCTGTACAGTGG-3'
Protein context (NP_061141.2, residues 798-818): CMCNLAMSKE[Val808Ala]QDLFEAQGND

ClinVar aggregate classification (germline): Uncertain significance. Review status: criteria provided, multiple submitters, no conflicts (2 of 4 stars). 2 submissions from 2 submitters: Uncertain significance (2). Last evaluated 2024-12-09.

Conditions:
Inborn genetic diseases. Identifiers: MedGen C0950123, MeSH D030342.

Allele frequency attached by ClinVar (database versions not stated): ExAC 0.00008; gnomAD exomes 0.00010 and 0.00031; TOPMed 0.00012; gnomAD 0.00015 and 0.00016.
gnomAD v4.1: 461 of 1,613,372 alleles (0.029%); highest among the groups gnomAD compares: Non-Finnish European, 0.038%; no homozygotes.

Submissions (2):

Labcorp Genetics (formerly Invitae), Labcorp
Classification: Uncertain significance. Last evaluated: 2024-12-09. Review status: criteria provided, single submitter. Criteria: Invitae Variant Classification Sherloc (09022015). Collection method: clinical testing. Allele origin: germline.
Comment: This sequence change replaces valine, which is neutral and non-polar, with alanine, which is neutral and non-polar, at codon 808 of the UNC45A protein (p.Val808Ala). This variant is present in population databases (rs144275211, gnomAD 0.02%). This variant has not been reported in the literature in individuals affected with UNC45A-related conditions. ClinVar contains an entry for this variant (Variation ID: 1353912). An algorithm developed to predict the effect of missense changes on protein structure and function (PolyPhen-2) suggests that this variant is likely to be disruptive. In summary, the available evidence is currently insufficient to determine the role of this variant in disease. Therefore, it has been classified as a Variant of Uncertain Significance.

Ambry Genetics
Classification: Uncertain significance for Inborn genetic diseases. Last evaluated: 2024-05-21. Review status: criteria provided, single submitter. Criteria: Ambry Variant Classification Scheme 2023. Collection method: clinical testing. Allele origin: germline.